The following is an entry in ClinVar:

ClinVar aggregate classification (germline): Uncertain significance (1 of 4 stars; one submission).

Conditions:
Ataxia-telangiectasia syndrome (AT). Also called: LOUIS-BAR SYNDROME; Cerebello-oculocutaneous telangiectasia; Immunodeficiency with ataxia telangiectasia; Ataxia telangiectasia (A-T); Ataxia-telangiectasia, complementation group D; AT, COMPLEMENTATION GROUP C. Identifiers: Orphanet 100, MedGen C0004135, MONDO:0008840, OMIM 208900.

Submission:

Labcorp Genetics (formerly Invitae), Labcorp
Classification: Uncertain significance for Ataxia-telangiectasia syndrome. Last evaluated: 2023-01-06. Review status: criteria provided, single submitter. Criteria: Invitae Variant Classification Sherloc (09022015). Collection method: clinical testing. Allele origin: germline.
Comment: In summary, the available evidence is currently insufficient to determine the role of this variant in disease. Therefore, it has been classified as a Variant of Uncertain Significance. Algorithms developed to predict the effect of missense changes on protein structure and function are either unavailable or do not agree on the potential impact of this missense change (SIFT: "Deleterious"; PolyPhen-2: "Probably Damaging"; Align-GVGD: "Class C0"). This variant has not been reported in the literature in individuals affected with ATM-related conditions. This variant is not present in population databases (gnomAD no frequency). This sequence change replaces tryptophan, which is neutral and slightly polar, with leucine, which is neutral and non-polar, at codon 3055 of the ATM protein (p.Trp3055Leu).

NM_000051.4(ATM):c.9164G>T (p.Trp3055Leu)

Genes: ATM (ATM serine/threonine kinase; plus strand), C11orf65 (chromosome 11 open reading frame 65; minus strand). Cytogenetic location: 11q22.3.
Variant type: single nucleotide variant.
Coding change: c.9164G>T on transcript NM_000051.4 (MANE Select); coding-DNA position 9164, G replaced by T.
Protein change: p.Trp3055Leu; replaces tryptophan 3055 with leucine.
Molecular consequence: missense variant. On other transcripts: intron variant (2).
Genome position (GRCh38, 1-based): chr11:108,365,501, G>T. VCF-style: chr11-108365501-G-T. GRCh37 (hg19) VCF-style: chr11-108236228-G-T.
Other names: c.9164G>T, p.Trp3055Leu (NM_001351834.2); c.640+20419C>A (NM_001330368.2); c.694+20419C>A (NM_001351110.2); short protein forms W3055L.
Identifiers: ClinVar variation 2825591 (VCV002825591.3), dbSNP rs2137930567, ClinGen allele CA382532196.